The following is an entry in ClinVar:

NM_001206979.2(NR1H4):c.732+6A>G

Gene: NR1H4 (nuclear receptor subfamily 1 group H member 4; plus strand). Cytogenetic location: 12q23.1.
Variant type: single nucleotide variant.
Coding change: c.732+6A>G on transcript NM_001206979.2 (MANE Select); 6 bases into the intron after coding-DNA position 732, A replaced by G.
Molecular consequence: intron variant.
Genome position (GRCh38, 1-based): chr12:100,535,029, A>G. VCF-style: chr12-100535029-A-G. GRCh37 (hg19) VCF-style: chr12-100928807-A-G.
Other names: c.732+6A>G (NM_001206977.2); c.720+6A>G (NM_005123.4); c.579+6A>G (NM_001206978.2); c.762+6A>G (NM_001206993.2); c.750+6A>G (NM_001206992.2).
Identifiers: ClinVar variation 288452 (VCV000288452.38), dbSNP rs183902004, ClinGen allele CA6739312.

ClinVar aggregate classification (germline): Likely benign. Review status: criteria provided, multiple submitters, no conflicts (2 of 4 stars). 5 submissions from 5 submitters: Likely benign (5). Last evaluated 2026-01-09.

Allele frequency attached by ClinVar (database versions not stated): ESP Exome Variant Server 0.00008; TOPMed 0.00020; gnomAD exomes 0.00047 and 0.00089; ExAC 0.00089; 1000 Genomes Project 30x 0.00094; 1000 Genomes Project 0.00100; gnomAD 0.00111 and 0.00113.
gnomAD v4.1: 862 of 1,614,174 alleles (0.053%); highest among the groups gnomAD compares: East Asian, 0.14%; 1 homozygote.

Submissions (5):

Labcorp Genetics (formerly Invitae), Labcorp
Classification: Likely benign. Last evaluated: 2026-01-09. Review status: criteria provided, single submitter. Criteria: Invitae Variant Classification Sherloc (09022015). Collection method: clinical testing. Allele origin: germline.

Laboratory of Genetics, Children's Clinical University Hospital Latvia
Classification: Likely benign. Last evaluated: 2025-02-16. Review status: criteria provided, single submitter. Criteria: ACMG Guidelines, 2015. Collection method: clinical testing. Allele origin: germline. Affected: yes.

Blueprint Genetics
Classification: Likely benign. Last evaluated: 2024-11-08. Review status: criteria provided, single submitter. Criteria: ACMG Guidelines, 2015. Collection method: clinical testing. Allele origin: germline.

CeGaT Center for Human Genetics Tuebingen
Classification: Likely benign. Last evaluated: 2023-04-01. Review status: criteria provided, single submitter. Criteria: CeGaT Center For Human Genetics Tuebingen Variant Classification Criteria Version 2. Collection method: clinical testing. Allele origin: germline. Affected: yes. Observed: 1 variant allele.
Comment: NR1H4: BP4

Eurofins Ntd Llc (ga)
Classification: Likely benign. Last evaluated: 2017-12-01. Review status: criteria provided, single submitter. Criteria: EGL Classification Definitions 2015. Collection method: clinical testing. Allele origin: germline. Observed: 2 variant alleles, 2 heterozygotes.